The following is an entry in ClinVar:

NM_004006.3(DMD):c.2473T>G (p.Trp825Gly)

Gene: DMD (dystrophin; minus strand). Cytogenetic location: Xp21.1.
Variant type: single nucleotide variant.
Coding change: c.2473T>G on transcript NM_004006.3 (MANE Select); coding-DNA position 2473, T replaced by G.
Protein change: p.Trp825Gly; replaces tryptophan 825 with glycine.
Molecular consequence: missense variant.
Genome position (GRCh38, 1-based): chrX:32,491,426, A>C on the plus strand (T>G on the coding strand, the complement: DMD is on the minus strand). VCF-style: chrX-32491426-A-C. GRCh37 (hg19) VCF-style: chrX-32509543-A-C.
Other names: p.Trp825Gly; c.2449T>G, p.Trp817Gly (NM_000109.4); c.2461T>G, p.Trp821Gly (NM_004009.3); c.2104T>G, p.Trp702Gly (NM_004010.3); short protein forms W825G, W702G, W817G, W821G.
Identifiers: ClinVar variation 239603 (VCV000239603.19), dbSNP rs769988372, ClinGen allele CA10379513.

ClinVar aggregate classification (germline): Conflicting classifications of pathogenicity. Review status: criteria provided, conflicting classifications (1 of 4 stars). 8 submissions from 8 submitters: Uncertain significance (1); Benign (1); Likely benign (5). 1 of the submissions does not count toward it. Last evaluated 2026-01-25.

Conditions:
DMD-related disorder. Also called: DMD-related condition.
Becker muscular dystrophy (BMD). Also called: Becker Muscular Dystrophy (BMD); MUSCULAR DYSTROPHY, PSEUDOHYPERTROPHIC PROGRESSIVE, BECKER TYPE. Identifiers: Orphanet 98895, MedGen C0917713, MONDO:0010311, OMIM 300376.
Cardiomyopathy (CMYO). Also called: Cardiomyopathies. Identifiers: Orphanet 167848, MedGen C0878544, MONDO:0004994, HP:0001638. Inheritance: Various modes of inheritance.
Duchenne muscular dystrophy (DMD). Also called: Duchenne Muscular Dystrophy (DMD); MUSCULAR DYSTROPHY, PSEUDOHYPERTROPHIC PROGRESSIVE, DUCHENNE TYPE. Identifiers: Orphanet 98896, MedGen C0013264, MONDO:0010679, OMIM 310200.
Dystrophin deficiency.
Cardiovascular phenotype. Identifiers: MedGen CN230736.
Dilated cardiomyopathy 3B (CMD3B). Also called: CMD3B: DMD-Related Dilated Cardiomyopathy; CARDIOMYOPATHY, DILATED, X-LINKED; DMD-Associated Dilated Cardiomyopathy. Identifiers: Orphanet 154, MedGen C3668940, MONDO:0010542, OMIM 302045.

Allele frequency attached by ClinVar (database versions not stated): 1000 Genomes Project 0.00079; gnomAD 0.00001 and 0.00004; ExAC 0.00002; TOPMed 0.00002; gnomAD exomes 0.00007; 1000 Genomes Project 30x 0.00062.
gnomAD v4.1: 17 of 1,210,046 alleles (0.0014%); highest among the groups gnomAD compares: East Asian, 0.044%; no homozygotes.

Submissions (8):

Labcorp Genetics (formerly Invitae), Labcorp
Classification: Benign for Duchenne muscular dystrophy. Last evaluated: 2026-01-25. Review status: criteria provided, single submitter. Criteria: Invitae Variant Classification Sherloc (09022015). Collection method: clinical testing. Allele origin: germline.

PreventionGenetics, part of Exact Sciences
Classification: Likely benign for DMD-related condition. Last evaluated: 2026-01-14. Review status: criteria provided, single submitter. Criteria: ACMG Guidelines, 2015. Collection method: clinical testing. Allele origin: germline.
Comment: This variant is classified as likely benign based on ACMG/AMP sequence variant interpretation guidelines (Richards et al. 2015 PMID: 25741868, with internal and published modifications).

Mayo Clinic Laboratories, Mayo Clinic
Classification: Likely benign. Last evaluated: 2025-04-11. Review status: criteria provided, single submitter. Criteria: ACMG Guidelines, 2015. Collection method: clinical testing. Allele origin: germline. Observed: 1 variant allele.
Comment: BS2

Women's Health and Genetics/Laboratory Corporation of America, LabCorp
Classification: Likely benign. Last evaluated: 2025-02-10. Review status: criteria provided, single submitter. Criteria: LabCorp Variant Classification Summary - May 2015. Collection method: clinical testing. Allele origin: germline.
Comment: Variant summary: DMD c.2473T>G (p.Trp825Gly) results in a non-conservative amino acid change in the encoded protein sequence. Three of five in-silico tools predict a damaging effect of the variant on protein function. The variant allele was found at a frequency of 1.4e-05 in 1210046 control chromosomes in the gnomAD database, including 8 hemizygotes. The observed variant frequency is approximately 1.3 fold of the estimated maximal expected allele frequency for a pathogenic variant in DMD causing Duchenne Muscular Dystrophy phenotype (1.1e-05). c.2473T>G has been reported in the literature without strong evidence for or against pathogenicity (Wang_2017, Xie_2024). These report(s) do not provide unequivocal conclusions about association of the variant with Duchenne Muscular Dystrophy. To our knowledge, no experimental evidence demonstrating an impact on protein function has been reported. The following publications have been ascertained in the context of this evaluation (PMID: 28181689, 25999675, 39198981). ClinVar contains an entry for this variant (Variation ID: 239603). Based on the evidence outlined above, the variant was classified as likely benign.

Ambry Genetics
Classification: Likely benign for Cardiovascular phenotype. Last evaluated: 2024-03-05. Review status: criteria provided, single submitter. Criteria: Ambry Variant Classification Scheme 2023. Collection method: clinical testing. Allele origin: germline.

Revvity Omics, Revvity
Classification: Uncertain significance. Last evaluated: 2023-08-31. Review status: criteria provided, single submitter. Criteria: ACMG Guidelines, 2015. Collection method: clinical testing. Allele origin: germline.

Juno Genomics, Hangzhou Juno Genomics, Inc
Classification: Likely benign for Becker muscular dystrophy; Dilated cardiomyopathy 3B; Duchenne muscular dystrophy. Review status: criteria provided, single submitter. Criteria: ACMG Guidelines, 2015. Collection method: clinical testing. Allele origin: germline.
Comment: Observed in a healthy adult individual for a recessive/dominant/X-linked disorder with full penetrance.

Natera, Inc.
Classification: Uncertain significance for Becker muscular dystrophy; Cardiomyopathy; Duchenne muscular dystrophy; Dystrophin deficiency. Last evaluated: 2019-12-20. Review status: no assertion criteria provided. Collection method: clinical testing. Allele origin: germline. Not counted in ClinVar's aggregate classification.

Literature cited by the submitters: PubMed 25999675 (cited by Mayo Clinic Laboratories, Mayo Clinic and Women's Health and Genetics/Laboratory Corporation of America, LabCorp); PubMed 28181689 (cited by 3 submitters); PubMed 39198981 (cited by Mayo Clinic Laboratories, Mayo Clinic and Women's Health and Genetics/Laboratory Corporation of America, LabCorp).